The following is an entry in ClinVar:

ClinVar aggregate classification (germline): Uncertain significance (1 of 4 stars; one submission).

Submission:

Labcorp Genetics (formerly Invitae), Labcorp
Classification: Uncertain significance. Last evaluated: 2023-11-10. Review status: criteria provided, single submitter. Criteria: Invitae Variant Classification Sherloc (09022015). Collection method: clinical testing. Allele origin: germline.
Comment: This sequence change replaces arginine, which is basic and polar, with lysine, which is basic and polar, at codon 40 of the COL2A1 protein (p.Arg40Lys). This variant is not present in population databases (gnomAD no frequency). This variant has not been reported in the literature in individuals affected with COL2A1-related conditions. ClinVar contains an entry for this variant (Variation ID: 1356779). Advanced modeling of protein sequence and biophysical properties (such as structural, functional, and spatial information, amino acid conservation, physicochemical variation, residue mobility, and thermodynamic stability) performed at Invitae indicates that this missense variant is not expected to disrupt COL2A1 protein function with a negative predictive value of 95%. In summary, the available evidence is currently insufficient to determine the role of this variant in disease. Therefore, it has been classified as a Variant of Uncertain Significance.

NM_001844.5(COL2A1):c.119G>A (p.Arg40Lys)

Gene: COL2A1 (collagen type II alpha 1 chain; minus strand). Cytogenetic location: 12q13.11.
Variant type: single nucleotide variant.
Coding change: c.119G>A on transcript NM_001844.5 (MANE Select); coding-DNA position 119, G replaced by A.
Protein change: p.Arg40Lys; replaces arginine 40 with lysine.
Molecular consequence: missense variant. On other transcripts: intron variant (1).
Genome position (GRCh38, 1-based): chr12:48,000,092, C>T on the plus strand (G>A on the coding strand, the complement: COL2A1 is on the minus strand). VCF-style: chr12-48000092-C-T. GRCh37 (hg19) VCF-style: chr12-48393875-C-T.
Other names: c.86-1661G>A (NM_033150.3); short protein forms R40K.
Identifiers: ClinVar variation 1356779 (VCV001356779.8), dbSNP rs2136637469, ClinGen allele CA384526685.